The following is an entry in ClinVar:

NM_001372044.2(SHANK3):c.2113_2115del (p.Leu705del)

Genes: SHANK3 (SH3 and multiple ankyrin repeat domains 3; plus strand), LOC126863188 (CDK7 strongly-dependent group 2 enhancer GRCh37_chr22:51142004-51143203; plus strand). Cytogenetic location: 22q13.33.
Variant type: Deletion.
Coding change: c.2113_2115del on transcript NM_001372044.2 (MANE Select); coding-DNA positions 2113 to 2115, 3 bases deleted (CTC; older notation c.2113_2115delCTC).
Protein change: p.Leu705del; deletes leucine 705.
Molecular consequence: inframe deletion. On other transcripts: inframe indel (1).
Genome position (GRCh38, 1-based): chr22:50,704,854-50,704,856, CTC deleted; deleting any 3 consecutive bases within chr22:50,704,852-50,704,856 gives the same sequence; the c. name uses the placement nearest the transcript's 3' end. VCF-style (leftmost placement, unchanged base first): chr22-50704851-TTCC-T. GRCh37 (hg19) VCF-style: chr22-51143279-TTCC-T.
Other names: c.1888_1890del (NM_033517.1); short protein forms L705del.
Identifiers: ClinVar variation 2505904 (VCV002505904.1), dbSNP rs2518406106, ClinGen allele CA2580615343.

ClinVar aggregate classification (germline): Uncertain significance (1 of 4 stars; one submission).

Submission:

GeneDx
Classification: Uncertain significance. Last evaluated: 2022-12-16. Review status: criteria provided, single submitter. Criteria: GeneDx Variant Classification Process June 2021. Collection method: clinical testing. Allele origin: germline. Affected: yes.
Comment: Not observed at significant frequency in large population cohorts (gnomAD); In-frame deletion of 1 amino acid in a non-repeat region; In silico analysis supports a deleterious effect on protein structure/function; Has not been previously published as pathogenic or benign to our knowledge